The following is an entry in ClinVar:

ClinVar aggregate classification (germline): Uncertain significance (1 of 4 stars; one submission).

gnomAD v4.1: 1 of 1,613,702 alleles (0.000062%); highest among the groups gnomAD compares: African/African-American, 0.0013%; no homozygotes.

Submission:

GeneDx
Classification: Uncertain significance. Last evaluated: 2024-12-12. Review status: criteria provided, single submitter. Criteria: GeneDx Variant Classification Process June 2021. Collection method: clinical testing. Allele origin: germline. Affected: yes.
Comment: Not observed at significant frequency in large population cohorts (gnomAD); In silico analysis supports that this missense variant has a deleterious effect on protein structure/function; Has not been previously reported as pathogenic or benign to our knowledge; This variant is associated with the following publications: (PMID: 25592583)

NM_005141.5(FGB):c.1009C>T (p.Pro337Ser)

Gene: FGB (fibrinogen beta chain; plus strand). Cytogenetic location: 4q31.3.
Variant type: single nucleotide variant.
Coding change: c.1009C>T on transcript NM_005141.5 (MANE Select); coding-DNA position 1009, C replaced by T.
Protein change: p.Pro337Ser; replaces proline 337 with serine.
Molecular consequence: missense variant. On other transcripts: intron variant (1).
Genome position (GRCh38, 1-based): chr4:154,569,564, C>T. VCF-style: chr4-154569564-C-T. GRCh37 (hg19) VCF-style: chr4-155490716-C-T.
Other names: c.832C>T, p.Pro278Ser (NM_001184741.1); c.877C>T, p.Pro293Ser (NM_001382759.1); c.1009C>T, p.Pro337Ser (NM_001382760.1, NM_001382761.1, NM_001382764.1 and 1 more transcripts); c.1000C>T, p.Pro334Ser (NM_001382763.1); c.746-37C>T (NM_001382762.1); short protein forms P278S, P293S, P334S, P337S.
Identifiers: ClinVar variation 3906568 (VCV003906568.1).